The following is an entry in ClinVar:

ClinVar aggregate classification (germline): Uncertain significance. Review status: criteria provided, multiple submitters, no conflicts (2 of 4 stars). 4 submissions from 4 submitters: Uncertain significance (4). Last evaluated 2025-10-08.

Conditions:
Duchenne muscular dystrophy (DMD). Also called: Duchenne Muscular Dystrophy (DMD); MUSCULAR DYSTROPHY, PSEUDOHYPERTROPHIC PROGRESSIVE, DUCHENNE TYPE. Identifiers: Orphanet 98896, MedGen C0013264, MONDO:0010679, OMIM 310200.

Submissions (4):

Applied Translational Genetics Group, University of Auckland
Classification: Uncertain significance for Duchenne muscular dystrophy. Last evaluated: 2025-10-08. Review status: criteria provided, single submitter. Criteria: ACMG Guidelines, 2015. Collection method: research. Allele origin: maternal. Inheritance: X-linked recessive inheritance. Affected: yes. Observed: 1 hemizygote.
Comment: NM_004006.3:c.7390_7391delinsAT is a missense mutation in the gene DMD that results in the substitution of serine (a very small neutral amino acid) for isoleucine (a large hydrophobic amino acid) at position 2464. As of last evaluation, 26 missense mutations have been classified as causative for the X-linked recessive disorder Duchenne muscular dystrophy (OMIM: 310200). The variant is absent in the gnomAD population database, as would be expected for a rare genetic condition such as Duchenne muscular dystrophy (PM2). In summary, this variant meets criteria to be classified as a variant of unknown significance for Duchenne muscular dystrophy based on the ACMG/AMP criteria applied: PM2

Blueprint Genetics
Classification: Uncertain significance. Last evaluated: 2023-12-15. Review status: criteria provided, single submitter. Criteria: ACMG Guidelines, 2015. Collection method: clinical testing. Allele origin: germline.

Revvity Omics, Revvity
Classification: Uncertain significance. Last evaluated: 2023-03-13. Review status: criteria provided, single submitter. Criteria: ACMG Guidelines, 2015. Collection method: clinical testing. Allele origin: germline.

Labcorp Genetics (formerly Invitae), Labcorp
Classification: Uncertain significance for Duchenne muscular dystrophy. Last evaluated: 2022-06-01. Review status: criteria provided, single submitter. Criteria: Invitae Variant Classification Sherloc (09022015). Collection method: clinical testing. Allele origin: germline.
Comment: This sequence change replaces serine, which is neutral and polar, with isoleucine, which is neutral and non-polar, at codon 2464 of the DMD protein (p.Ser2464Ile). Information on the frequency of this variant in the gnomAD database is not available, as this variant may be reported differently in the database. This variant has not been reported in the literature in individuals affected with DMD-related conditions. Algorithms developed to predict the effect of missense changes on protein structure and function are either unavailable or do not agree on the potential impact of this missense change (SIFT: "Not Available"; PolyPhen-2: "Possibly Damaging"; Align-GVGD: "Not Available"). In summary, the available evidence is currently insufficient to determine the role of this variant in disease. Therefore, it has been classified as a Variant of Uncertain Significance.

Literature cited by the submitters: PubMed 40756852 (cited by Applied Translational Genetics Group, University of Auckland).

NM_004006.3(DMD):c.7390_7391delinsAT (p.Ser2464Ile)

Gene: DMD (dystrophin; minus strand). Cytogenetic location: Xp21.1.
Variant type: Indel.
Coding change: c.7390_7391delinsAT on transcript NM_004006.3 (MANE Select); coding-DNA positions 7390 to 7391, TC replaced by AT.
Protein change: p.Ser2464Ile; replaces serine 2464 with isoleucine.
Molecular consequence: missense variant.
Genome position (GRCh38, 1-based): chrX:31,774,111-31,774,112, GA replaced by AT on the plus strand (TC replaced by AT on the coding strand, the reverse complement: DMD is on the minus strand). VCF-style: chrX-31774111-GA-AT. GRCh37 (hg19) VCF-style: chrX-31792228-GA-AT.
Other names: c.7366_7367delinsAT, p.Ser2456Ile (NM_000109.4); c.7390_7391delTCinsAT, p.Ser2464Ile (NM_004006.2); c.7378_7379delinsAT, p.Ser2460Ile (NM_004009.3); c.7021_7022delinsAT, p.Ser2341Ile (NM_004010.3); c.3367_3368delinsAT, p.Ser1123Ile (NM_004011.4); c.3358_3359delinsAT, p.Ser1120Ile (NM_004012.4); c.10_11delinsAT, p.Ser4Ile (NM_004013.3, NM_004020.4, NM_004021.3 and 2 more transcripts); c.7390_7391delinsAT (NM_004006.2); short protein forms S1120I, S2464I, S4I, S1123I, S2456I, S2460I, S2341I.
Identifiers: ClinVar variation 2159710 (VCV002159710.5), dbSNP rs2530840933, ClinGen allele CA2580100609.
Genomic context (GRCh38, chrX:31,774,111, plus strand): 5'-TCGGTAAGTTCTGTCCAAGCCCGGTTGAAATCTGCCAGAGCAGGTACCTCCAACATCAAG[GA>AT]AGATGGCATTTCTAGTTTGGAGATGGCAGTTTCCTTAGTAACCACAGGTTGTGTCACCAG-3'
Protein context (NP_003997.2, residues 2454-2474): TAISKLEMPS[Ser2464Ile]LMLEVPALAD